The following is an entry in ClinVar:

NM_004385.5(VCAN):c.8676A>C (p.Leu2892Phe)

Genes: VCAN (versican; plus strand), VCAN-AS1 (VCAN antisense RNA 1; minus strand). Cytogenetic location: 5q14.3.
Variant type: single nucleotide variant.
Coding change: c.8676A>C on transcript NM_004385.5 (MANE Select); coding-DNA position 8676, A replaced by C.
Protein change: p.Leu2892Phe; replaces leucine 2892 with phenylalanine.
Molecular consequence: missense variant. On other transcripts: intron variant (2).
Genome position (GRCh38, 1-based): chr5:83,541,679, A>C. VCF-style: chr5-83541679-A-C. GRCh37 (hg19) VCF-style: chr5-82837498-A-C.
Other names: c.5715A>C, p.Leu1905Phe (NM_001164097.2); c.4004-3858A>C (NM_001164098.2); c.1043-3858A>C (NM_001126336.3); short protein forms L2892F, L1905F.
Identifiers: ClinVar variation 1377861 (VCV001377861.7), dbSNP rs2112450349, ClinGen allele CA360293927.

ClinVar aggregate classification (germline): Uncertain significance. Review status: criteria provided, multiple submitters, no conflicts (2 of 4 stars). 2 submissions from 2 submitters: Uncertain significance (2). Last evaluated 2022-04-11.

Submissions (2):

GeneDx
Classification: Uncertain significance. Last evaluated: 2022-04-11. Review status: criteria provided, single submitter. Criteria: GeneDx Variant Classification Process June 2021. Collection method: clinical testing. Allele origin: germline. Affected: yes.
Comment: Not observed at significant frequency in large population cohorts (gnomAD); In silico analysis supports that this missense variant does not alter protein structure/function; Has not been previously published as pathogenic or benign to our knowledge

Labcorp Genetics (formerly Invitae), Labcorp
Classification: Uncertain significance. Last evaluated: 2021-11-08. Review status: criteria provided, single submitter. Criteria: Invitae Variant Classification Sherloc (09022015). Collection method: clinical testing. Allele origin: germline.
Comment: In summary, the available evidence is currently insufficient to determine the role of this variant in disease. Therefore, it has been classified as a Variant of Uncertain Significance. Algorithms developed to predict the effect of missense changes on protein structure and function (SIFT, PolyPhen-2, Align-GVGD) all suggest that this variant is likely to be tolerated. This variant has not been reported in the literature in individuals affected with VCAN-related conditions. This variant is not present in population databases (gnomAD no frequency). This sequence change replaces leucine, which is neutral and non-polar, with phenylalanine, which is neutral and non-polar, at codon 2892 of the VCAN protein (p.Leu2892Phe).